The following is an entry in ClinVar:

NM_001849.4(COL6A2):c.2504T>C (p.Val835Ala)

Gene: COL6A2 (collagen type VI alpha 2 chain; plus strand). Cytogenetic location: 21q22.3.
Variant type: single nucleotide variant.
Coding change: c.2504T>C on transcript NM_001849.4 (MANE Select); coding-DNA position 2504, T replaced by C.
Protein change: p.Val835Ala; replaces valine 835 with alanine.
Molecular consequence: missense variant.
Genome position (GRCh38, 1-based): chr21:46,131,996, T>C. VCF-style: chr21-46131996-T-C. GRCh37 (hg19) VCF-style: chr21-47551910-T-C.
Other names: short protein forms V835A.
Identifiers: ClinVar variation 2796868 (VCV002796868.4), dbSNP rs2517029310, ClinGen allele CA410548168.
Genomic context (GRCh38, chr21:46,131,996, plus strand): 5'-ACCTGCGTCTCCCCACAGAGCTGTCCGTGGCACAGTGCACGCAGCGGCCCGTGGACATCG[T>C]CTTCCTGCTGGACGGCTCCGAGCGGCTGGGTGAGCAGAACTTCCACAAGGCCCGGCGCTT-3'
Protein context (NP_001840.3, residues 825-845): AQCTQRPVDI[Val835Ala]FLLDGSERLG

ClinVar aggregate classification (germline): Uncertain significance. Review status: criteria provided, multiple submitters, no conflicts (2 of 4 stars). 2 submissions from 2 submitters: Uncertain significance (2). Last evaluated 2024-11-20.

Conditions:
Bethlem myopathy 1A. Also called: Bethlem myopathy 1; MYOPATHY, BENIGN CONGENITAL, WITH CONTRACTURES; Bethlem Muscular Dystrophy. Identifiers: Orphanet 610, MedGen CN029274, MONDO:0024530, OMIM 158810.

Submissions (2):

Revvity Omics, Revvity
Classification: Uncertain significance. Last evaluated: 2024-11-20. Review status: criteria provided, single submitter. Criteria: ACMG Guidelines, 2015. Collection method: clinical testing. Allele origin: germline.

Labcorp Genetics (formerly Invitae), Labcorp
Classification: Uncertain significance for Bethlem myopathy 1A. Last evaluated: 2023-10-20. Review status: criteria provided, single submitter. Criteria: Invitae Variant Classification Sherloc (09022015). Collection method: clinical testing. Allele origin: germline.
Comment: This sequence change replaces valine, which is neutral and non-polar, with alanine, which is neutral and non-polar, at codon 835 of the COL6A2 protein (p.Val835Ala). This variant is not present in population databases (gnomAD no frequency). This variant has not been reported in the literature in individuals affected with COL6A2-related conditions. Advanced modeling of protein sequence and biophysical properties (such as structural, functional, and spatial information, amino acid conservation, physicochemical variation, residue mobility, and thermodynamic stability) performed at Invitae indicates that this missense variant is not expected to disrupt COL6A2 protein function. In summary, the available evidence is currently insufficient to determine the role of this variant in disease. Therefore, it has been classified as a Variant of Uncertain Significance.